The following is an entry in ClinVar:

NM_000090.4(COL3A1):c.1150-3T>G

Gene: COL3A1 (collagen type III alpha 1 chain; plus strand). Cytogenetic location: 2q32.2.
Variant type: single nucleotide variant.
Coding change: c.1150-3T>G on transcript NM_000090.4 (MANE Select); 3 bases into the intron before coding-DNA position 1150, T replaced by G.
Molecular consequence: intron variant.
Genome position (GRCh38, 1-based): chr2:188,994,035, T>G. VCF-style: chr2-188994035-T-G. GRCh37 (hg19) VCF-style: chr2-189858761-T-G.
Identifiers: ClinVar variation 1733871 (VCV001733871.2), dbSNP rs2469127837, ClinGen allele CA2580065333.
Genomic context (GRCh38, chr2:188,994,035, plus strand): 5'-CTTCAAATATATACGAACTATTTGCATTACTATTAATACATTATCTGTTTTTTGTATACT[T>G]AGGGCCCTCCTGGGATTAATGGTAGTCCTGGTGGTAAAGGCGAAATGGTAAGCTGTCCCC-3'

ClinVar aggregate classification (germline): Uncertain significance (1 of 4 stars; one submission).

Conditions:
Familial thoracic aortic aneurysm and aortic dissection (TAAD). Also called: Thoracic aortic aneurysms and dissections. Identifiers: Orphanet 91387, MedGen C4707243, MONDO:0019625.

Submission:

Ambry Genetics
Classification: Uncertain significance for Familial thoracic aortic aneurysm and aortic dissection. Last evaluated: 2021-05-25. Review status: criteria provided, single submitter. Criteria: Ambry Variant Classification Scheme 2023. Collection method: clinical testing. Allele origin: germline.
Comment: The c.1150-3T>G intronic variant results from a T to G substitution 3 nucleotides upstream from coding exon 17 in the COL3A1 gene. This nucleotide position is not well conserved in available vertebrate species. In silico splice site analysis predicts that this alteration will weaken the native splice acceptor site. Since supporting evidence is limited at this time, the clinical significance of this alteration remains unclear.